The following is an entry in ClinVar:

NM_001127198.5(TMC6):c.2355-1G>C

Gene: TMC6 (transmembrane channel like 6; minus strand). Cytogenetic location: 17q25.3.
Variant type: single nucleotide variant.
Coding change: c.2355-1G>C on transcript NM_001127198.5 (MANE Select); the canonical splice acceptor site of the intron before coding-DNA position 2355, G replaced by C.
Molecular consequence: splice acceptor variant.
Genome position (GRCh38, 1-based): chr17:78,113,212, C>G on the plus strand (G>C on the coding strand, the complement: TMC6 is on the minus strand). VCF-style: chr17-78113212-C-G. GRCh37 (hg19) VCF-style: chr17-76109293-C-G.
Other names: c.2175-1G>C (NM_001374594.1, NM_001374593.1); c.2355-1G>C (NM_001374596.1, NM_007267.7, NM_001321185.1 and 2 more transcripts).
Identifiers: ClinVar variation 1039786 (VCV001039786.7), dbSNP rs1268020368, ClinGen allele CA401221908.

ClinVar aggregate classification (germline): Uncertain significance (1 of 4 stars; one submission).

Conditions:
Epidermodysplasia verruciformis. Identifiers: Orphanet 302, MedGen C0014522, MONDO:0009176.

Allele frequency attached by ClinVar (database versions not stated): gnomAD 0.00001; TOPMed 0.00002.

Submission:

Labcorp Genetics (formerly Invitae), Labcorp
Classification: Uncertain significance for Epidermodysplasia verruciformis. Last evaluated: 2020-07-07. Review status: criteria provided, single submitter. Criteria: Invitae Variant Classification Sherloc (09022015). Collection method: clinical testing. Allele origin: germline.
Comment: In summary, the available evidence is currently insufficient to determine the role of this variant in disease. Therefore, it has been classified as a Variant of Uncertain Significance. Nucleotide substitutions within the consensus splice site are a relatively common cause of aberrant splicing (PMID: 17576681, 9536098). Algorithms developed to predict the effect of sequence changes on RNA splicing suggest that this variant may disrupt the consensus splice site, but this prediction has not been confirmed by published transcriptional studies. This variant has not been reported in the literature in individuals with TMC6-related conditions. This variant is not present in population databases (ExAC no frequency). This sequence change affects an acceptor splice site in the last intron (intron 19) of the TMC6 gene. While this is not anticipated to result in nonsense mediated decay, it likely alters RNA splicing and results in a disrupted protein product.

Literature cited by the submitters: PubMed 17576681; PubMed 9536098.